The following is an entry in ClinVar:

ClinVar aggregate classification (germline): Uncertain significance (1 of 4 stars; one submission).

Allele frequency attached by ClinVar (database versions not stated): TOPMed below 0.00001.
gnomAD v4.1: 2 of 1,597,982 alleles (0.00013%); highest among the groups gnomAD compares: Non-Finnish European, 0.00017%; no homozygotes.

Submission:

Women's Health and Genetics/Laboratory Corporation of America, LabCorp
Classification: Uncertain significance. Last evaluated: 2023-07-18. Review status: criteria provided, single submitter. Criteria: LabCorp Variant Classification Summary - May 2015. Collection method: clinical testing. Allele origin: germline.
Comment: Variant summary: DCHS1 c.8308C>T (p.Arg2770X), located in the last exon, results in a premature termination codon, predicted to cause a truncation of the last 529 amino acids, which involves the last 2 of 27 cadherin repeats in the encoded protein sequence; however, it is not expected to result in nonsense mediated decay. The variant was absent in 224964 control chromosomes (gnomAD). The available data on variant occurrences in the general population are insufficient to allow any conclusion about variant significance. To our knowledge, no occurrence of c.8308C>T in individuals affected with DCHS1-Related Disorders, namely autosomal dominant Mitral Valve Prolapse 2 or autosomal recessive Van Maldergem syndrome 1, and no experimental evidence demonstrating its impact on protein function have been reported in the literature. No submitters have cited clinical-significance assessments for this variant to ClinVar after 2014. Based on the evidence outlined above, the variant was classified as uncertain significance.

NM_003737.4(DCHS1):c.8308C>T (p.Arg2770Ter)

Gene: DCHS1 (dachsous cadherin-related 1; minus strand). Cytogenetic location: 11p15.4.
Variant type: single nucleotide variant.
Coding change: c.8308C>T on transcript NM_003737.4 (MANE Select); coding-DNA position 8308, C replaced by T.
Protein change: p.Arg2770Ter; replaces arginine 2770 with a stop codon.
Molecular consequence: nonsense.
Genome position (GRCh38, 1-based): chr11:6,623,368, G>A on the plus strand (C>T on the coding strand, the complement: DCHS1 is on the minus strand). VCF-style: chr11-6623368-G-A. GRCh37 (hg19) VCF-style: chr11-6644599-G-A.
Other names: short protein forms R2770*.
Identifiers: ClinVar variation 2577396 (VCV002577396.1), dbSNP rs1205594059, ClinGen allele CA379481289.